The following is an entry in ClinVar:

NM_153704.6(TMEM67):c.1801C>T (p.Pro601Ser)

Gene: TMEM67 (transmembrane protein 67; plus strand). Cytogenetic location: 8q22.1.
Variant type: single nucleotide variant.
Coding change: c.1801C>T on transcript NM_153704.6 (MANE Select); coding-DNA position 1801, C replaced by T.
Protein change: p.Pro601Ser; replaces proline 601 with serine.
Molecular consequence: missense variant. On other transcripts: non-coding transcript variant (1).
Genome position (GRCh38, 1-based): chr8:93,795,928, C>T. VCF-style: chr8-93795928-C-T. GRCh37 (hg19) VCF-style: chr8-94808156-C-T.
Other names: c.1558C>T, p.Pro520Ser (NM_001142301.1); short protein forms P601S, P520S.
Identifiers: ClinVar variation 4984179 (VCV004984179.1).

ClinVar aggregate classification (germline): Uncertain significance (1 of 4 stars; one submission).

Conditions:
TMEM67-related disorder. Also called: TMEM67-related condition; TMEM67-related disorders. Identifiers: MedGen CN239423.

Submission:

PreventionGenetics, part of Exact Sciences
Classification: Uncertain significance for TMEM67-related condition. Last evaluated: 2026-08-14. Review status: criteria provided, single submitter. Criteria: ACMG Guidelines, 2015. Collection method: clinical testing. Allele origin: germline.
Comment: The TMEM67 c.1801C>T variant is predicted to result in the amino acid substitution p.Pro601Ser. To our knowledge, this variant has not been reported in the literature or in a large population database (gnomAD), indicating this variant is rare. At this time, the clinical significance of this variant is uncertain due to the absence of conclusive functional and genetic evidence.